The following is an entry in ClinVar:

ClinVar aggregate classification (germline): Uncertain significance (1 of 4 stars; one submission).

Conditions:
Cardiovascular phenotype. Identifiers: MedGen CN230736.

Allele frequency attached by ClinVar (database versions not stated): ExAC 0.00001; gnomAD 0.00001; 1000 Genomes Project 30x 0.00016; 1000 Genomes Project 0.00020.
gnomAD v4.1: 4 of 1,614,258 alleles (0.00025%); highest among the groups gnomAD compares: East Asian, 0.0022%; no homozygotes.

Submission:

Ambry Genetics
Classification: Uncertain significance for Cardiovascular phenotype. Last evaluated: 2023-06-12. Review status: criteria provided, single submitter. Criteria: Ambry Variant Classification Scheme 2023. Collection method: clinical testing. Allele origin: germline.
Comment: The p.R35G variant (also known as c.103C>G), located in coding exon 1 of the KCNJ8 gene, results from a C to G substitution at nucleotide position 103. The arginine at codon 35 is replaced by glycine, an amino acid with dissimilar properties. This amino acid position is conserved. In addition, this alteration is predicted to be deleterious by in silico analysis. Since supporting evidence is limited at this time, the clinical significance of this alteration remains unclear.

NM_004982.4(KCNJ8):c.103C>G (p.Arg35Gly)

Genes: KCNJ8 (potassium inwardly rectifying channel subfamily J member 8; minus strand), KCNJ8-AS1 (KCNJ8 antisense RNA 1; plus strand). Cytogenetic location: 12p12.1.
Variant type: single nucleotide variant.
Coding change: c.103C>G on transcript NM_004982.4 (MANE Select); coding-DNA position 103, C replaced by G.
Protein change: p.Arg35Gly; replaces arginine 35 with glycine.
Molecular consequence: missense variant.
Genome position (GRCh38, 1-based): chr12:21,773,514, G>C on the plus strand (C>G on the coding strand, the complement: KCNJ8 is on the minus strand). VCF-style: chr12-21773514-G-C. GRCh37 (hg19) VCF-style: chr12-21926448-G-C.
Identifiers: ClinVar variation 2565924 (VCV002565924.2), dbSNP rs553458206, ClinGen allele CA6480736.